The following is an entry in ClinVar:

NM_201596.3(CACNB2):c.946A>T (p.Ile316Leu)

Gene: CACNB2 (calcium voltage-gated channel auxiliary subunit beta 2; plus strand). Cytogenetic location: 10p12.31.
Variant type: single nucleotide variant.
Coding change: c.946A>T on transcript NM_201596.3 (MANE Select); coding-DNA position 946, A replaced by T.
Protein change: p.Ile316Leu; replaces isoleucine 316 with leucine.
Molecular consequence: missense variant.
Genome position (GRCh38, 1-based): chr10:18,527,589, A>T. VCF-style: chr10-18527589-A-T. GRCh37 (hg19) VCF-style: chr10-18816518-A-T.
Other names: c.781A>T, p.Ile261Leu (NM_000724.4); c.748A>T, p.Ile250Leu (NM_001167945.2); c.667A>T, p.Ile223Leu (NM_001330060.2); c.688A>T, p.Ile230Leu (NM_001410882.1); c.802A>T, p.Ile268Leu (NM_201570.3); c.862A>T, p.Ile288Leu (NM_201571.4); c.790A>T, p.Ile264Leu (NM_201572.4); c.784A>T, p.Ile262Leu (NM_201590.3); and 2 more; short protein forms I223L, I230L, I250L, I261L, I262L, I264L, I268L, I278L.
Identifiers: ClinVar variation 4868130 (VCV004868130.1).

ClinVar aggregate classification (germline): Uncertain significance (1 of 4 stars; one submission).

Conditions:
Cardiovascular phenotype. Identifiers: MedGen CN230736.

gnomAD v4.1: 28 of 1,609,730 alleles (0.0017%); highest among the groups gnomAD compares: Non-Finnish European, 0.0024%; no homozygotes.

Submission:

Ambry Genetics
Classification: Uncertain significance for Cardiovascular phenotype. Last evaluated: 2026-06-09. Review status: criteria provided, single submitter. Criteria: Ambry Variant Classification Scheme 2023. Collection method: clinical testing. Allele origin: germline.
Comment: The p.I262L variant (also known as c.784A>T), located in coding exon 9 of the CACNB2 gene, results from an A to T substitution at nucleotide position 784. The isoleucine at codon 262 is replaced by leucine, an amino acid with highly similar properties. This amino acid position is conserved. In addition, the in silico prediction for this alteration is inconclusive. Based on the available evidence, the clinical significance of this variant remains unclear.